The following is an entry in ClinVar:

ClinVar aggregate classification (germline): Uncertain significance. Review status: criteria provided, multiple submitters, no conflicts (2 of 4 stars). 2 submissions from 2 submitters: Uncertain significance (2). Last evaluated 2025-10-15.

Conditions:
Familial thoracic aortic aneurysm and aortic dissection (TAAD). Also called: Thoracic aortic aneurysms and dissections. Identifiers: Orphanet 91387, MedGen C4707243, MONDO:0019625.
Adams-Oliver syndrome 5 (AOS5). Identifiers: Orphanet 974, MedGen C4014970, MONDO:0014459, OMIM 616028.

Submissions (2):

Labcorp Genetics (formerly Invitae), Labcorp
Classification: Uncertain significance for Adams-Oliver syndrome 5. Last evaluated: 2025-10-15. Review status: criteria provided, single submitter. Criteria: Invitae Variant Classification Sherloc (09022015). Collection method: clinical testing. Allele origin: germline.
Comment: This sequence change replaces aspartic acid, which is acidic and polar, with glycine, which is neutral and non-polar, at codon 2099 of the NOTCH1 protein (p.Asp2099Gly). This variant is not present in population databases (gnomAD no frequency). This variant has not been reported in the literature in individuals affected with NOTCH1-related conditions. ClinVar contains an entry for this variant (Variation ID: 3226983). Invitae Evidence Modeling of protein sequence and biophysical properties (such as structural, functional, and spatial information, amino acid conservation, physicochemical variation, residue mobility, and thermodynamic stability) has been performed for this missense variant. However, the output from this modeling did not meet the statistical confidence thresholds required to predict the impact of this variant on NOTCH1 protein function. In summary, the available evidence is currently insufficient to determine the role of this variant in disease. Therefore, it has been classified as a Variant of Uncertain Significance.

Ambry Genetics
Classification: Uncertain significance for Familial thoracic aortic aneurysm and aortic dissection. Last evaluated: 2023-12-11. Review status: criteria provided, single submitter. Criteria: Ambry Variant Classification Scheme 2023. Collection method: clinical testing. Allele origin: germline.
Comment: The p.D2099G variant (also known as c.6296A>G), located in coding exon 34 of the NOTCH1 gene, results from an A to G substitution at nucleotide position 6296. The aspartic acid at codon 2099 is replaced by glycine, an amino acid with similar properties. This amino acid position is conserved. In addition, this alteration is predicted to be deleterious by in silico analysis. Since supporting evidence is limited at this time, the clinical significance of this alteration remains unclear.

NM_017617.5(NOTCH1):c.6296A>G (p.Asp2099Gly)

Gene: NOTCH1 (notch receptor 1; minus strand). Cytogenetic location: 9q34.3.
Variant type: single nucleotide variant.
Coding change: c.6296A>G on transcript NM_017617.5 (MANE Select); coding-DNA position 6296, A replaced by G.
Protein change: p.Asp2099Gly; replaces aspartic acid 2099 with glycine.
Molecular consequence: missense variant.
Genome position (GRCh38, 1-based): chr9:136,497,443, T>C on the plus strand (A>G on the coding strand, the complement: NOTCH1 is on the minus strand). VCF-style: chr9-136497443-T-C. GRCh37 (hg19) VCF-style: chr9-139391895-T-C.
Other names: short protein forms D2099G.
Identifiers: ClinVar variation 3226983 (VCV003226983.2), dbSNP rs2540422909, ClinGen allele CA375632045.